The following is an entry in ClinVar:

ClinVar aggregate classification (germline): Uncertain significance (1 of 4 stars; one submission).

Conditions:
Long QT syndrome (LQTS). Identifiers: MedGen C0023976, MeSH D008133, MONDO:0002442. Disease mechanism: loss of function. Inheritance: Various modes of inheritance.

Allele frequency attached by ClinVar (database versions not stated): gnomAD exomes below 0.00001.

Submission:

Labcorp Genetics (formerly Invitae), Labcorp
Classification: Uncertain significance for Long QT syndrome. Last evaluated: 2021-12-23. Review status: criteria provided, single submitter. Criteria: Invitae Variant Classification Sherloc (09022015). Collection method: clinical testing. Allele origin: germline.
Comment: In summary, the available evidence is currently insufficient to determine the role of this variant in disease. Therefore, it has been classified as a Variant of Uncertain Significance. This sequence change replaces leucine, which is neutral and non-polar, with phenylalanine, which is neutral and non-polar, at codon 79 of the KCNQ1 protein (p.Leu79Phe). This variant is not present in population databases (gnomAD no frequency). This variant has not been reported in the literature in individuals affected with KCNQ1-related conditions. Algorithms developed to predict the effect of missense changes on protein structure and function are either unavailable or do not agree on the potential impact of this missense change (SIFT: "Deleterious"; PolyPhen-2: "Benign"; Align-GVGD: "Class C0").

NM_000218.3(KCNQ1):c.235C>T (p.Leu79Phe)

Gene: KCNQ1 (potassium voltage-gated channel subfamily Q member 1; plus strand). Cytogenetic location: 11p15.5.
Variant type: single nucleotide variant.
Coding change: c.235C>T on transcript NM_000218.3 (MANE Select); coding-DNA position 235, C replaced by T.
Protein change: p.Leu79Phe; replaces leucine 79 with phenylalanine.
Molecular consequence: missense variant.
Genome position (GRCh38, 1-based): chr11:2,445,333, C>T. VCF-style: chr11-2445333-C-T. GRCh37 (hg19) VCF-style: chr11-2466563-C-T.
Other names: c.235C>T, p.Leu79Phe (NM_001406836.1, NM_001406838.1); c.-128C>T (NM_001406837.1); short protein forms L79F.
Identifiers: ClinVar variation 1902541 (VCV001902541.5), dbSNP rs2496742269, ClinGen allele CA379116873.
Genomic context (GRCh38, chr11:2,445,333, plus strand): 5'-CCAGGTCCCGCGCCCCCTGCGTCCCCGGCCGCGCCCGCCGCGCCCCCAGTTGCCTCCGAC[C>T]TTGGCCCGCGGCCGCCGGTGAGCCTAGACCCGCGCGTCTCCATCTACAGCACGCGCCGCC-3'
Protein context (NP_000209.2, residues 69-89): APAAPPVASD[Leu79Phe]GPRPPVSLDP